The following is an entry in ClinVar:

NM_001378454.1(ALMS1):c.3690G>A (p.Gly1230=)

Gene: ALMS1 (ALMS1 centrosome and basal body associated protein; plus strand). Cytogenetic location: 2p13.1.
Variant type: single nucleotide variant.
Coding change: c.3690G>A on transcript NM_001378454.1 (MANE Select); coding-DNA position 3690, G replaced by A.
Protein change: p.Gly1230=; no amino-acid change (glycine 1230 retained).
Molecular consequence: synonymous variant.
Genome position (GRCh38, 1-based): chr2:73,450,217, G>A. VCF-style: chr2-73450217-G-A. GRCh37 (hg19) VCF-style: chr2-73677344-G-A.
Other names: c.3693G>A, p.Gly1231= (NM_015120.4).
Identifiers: ClinVar variation 390008 (VCV000390008.1), dbSNP rs1057523614, ClinGen allele CA16604370.

ClinVar aggregate classification (germline): Likely benign (1 of 4 stars; one submission).

Allele frequency attached by ClinVar (database versions not stated): gnomAD exomes below 0.00001; TOPMed below 0.00001.
gnomAD v4.1: 6 of 1,613,924 alleles (0.00037%); highest among the groups gnomAD compares: Non-Finnish European, 0.00051%; no homozygotes.

Submission:

GeneDx
Classification: Likely benign. Last evaluated: 2016-10-14. Review status: criteria provided, single submitter. Criteria: GeneDx Variant Classification (06012015). Collection method: clinical testing. Allele origin: germline. Affected: yes.
Comment: This variant is considered likely benign or benign based on one or more of the following criteria: it is a conservative change, it occurs at a poorly conserved position in the protein, it is predicted to be benign by multiple in silico algorithms, and/or has population frequency not consistent with disease.